The following is an entry in ClinVar:

ClinVar aggregate classification (germline): Likely pathogenic (1 of 4 stars; one submission).

Submission:

Labcorp Genetics (formerly Invitae), Labcorp
Classification: Likely pathogenic. Last evaluated: 2025-01-24. Review status: criteria provided, single submitter. Criteria: Invitae Variant Classification Sherloc (09022015). Collection method: clinical testing. Allele origin: germline.
Comment: This variant, c.3131_3151dup, results in the insertion of 7 amino acid(s) of the MYH9 protein (p.Gln1044_Arg1050dup), but otherwise preserves the integrity of the reading frame. This variant is not present in population databases (gnomAD no frequency). This variant has been observed in individual(s) with clinical features of MYH9-related conditions (internal data). In at least one individual the variant was observed to be de novo. In summary, the currently available evidence indicates that the variant is pathogenic, but additional data are needed to prove that conclusively. Therefore, this variant has been classified as Likely Pathogenic.

NM_002473.6(MYH9):c.3131_3151dup (p.Arg1050_Arg1051insGlnGluLeuGluLysThrArg)

Gene: MYH9 (myosin heavy chain 9; minus strand). Cytogenetic location: 22q12.3.
Variant type: Duplication.
Coding change: c.3131_3151dup on transcript NM_002473.6 (MANE Select); coding-DNA positions 3131 to 3151, 21 bases duplicated (AGGAGCTGGAGAAGACCCGCC).
Protein change: p.Arg1050_Arg1051insGlnGluLeuGluLysThrArg.
Genome position (GRCh38, 1-based): chr22:36,296,964-36,296,984, GGCGGGTCTTCTCCAGCTCCT duplicated on the plus strand (AGGAGCTGGAGAAGACCCGCC on the coding strand, the reverse complement: MYH9 is on the minus strand); duplicating any 21 consecutive bases within chr22:36,296,964-36,296,985 gives the same sequence; the c. name uses the placement nearest the transcript's 3' end. VCF-style (leftmost placement, unchanged base first): chr22-36296963-C-CGGCGGGTCTTCTCCAGCTCCT. GRCh37 (hg19) VCF-style: chr22-36693009-C-CGGCGGGTCTTCTCCAGCTCCT.
Identifiers: ClinVar variation 3725116 (VCV003725116.2).
Genomic context (GRCh38, chr22:36,296,963, plus strand): 5'-ATCTGGGCCTGGAGCTCGGCGATCTGGTCGCTGAGGTCTGTGGAGTCTCCCTCCAGCTTC[C>CGGCGGGTCTTCTCCAGCTCCT]GGCGGGTCTTCTCCAGCTCCTGTCGCTGCTTCTCCTCCCTGCGGAGGCGCTCTGCAATGC-3'